The following is an entry in ClinVar:

ClinVar aggregate classification (germline): Likely pathogenic (1 of 4 stars; one submission).

Conditions:
Cardioacrofacial dysplasia 2. Identifiers: MedGen C5436886, MONDO:0030877, OMIM 619143.

Submission:

3billion
Classification: Likely pathogenic for Cardioacrofacial dysplasia 2. Last evaluated: 2024-06-14. Review status: criteria provided, single submitter. Criteria: ACMG Guidelines, 2015. Collection method: clinical testing. Allele origin: germline. Affected: yes.
Comment: The variant is not observed in the gnomAD v4.0.0 dataset. Predicted Consequence/Location: Missense changes are a common disease-causing mechanism. Therefore, this variant is classified as Likely pathogenic according to the recommendation of ACMG/AMP guideline.

NM_182948.4(PRKACB):c.997A>G (p.Lys333Glu)

Gene: PRKACB (protein kinase cAMP-activated catalytic subunit beta; plus strand). Cytogenetic location: 1p31.1.
Variant type: single nucleotide variant.
Coding change: c.997A>G on transcript NM_182948.4 (MANE Select); coding-DNA position 997, A replaced by G.
Protein change: p.Lys333Glu; replaces lysine 333 with glutamic acid.
Molecular consequence: missense variant.
Genome position (GRCh38, 1-based): chr1:84,214,243, A>G. VCF-style: chr1-84214243-A-G. GRCh37 (hg19) VCF-style: chr1-84679926-A-G.
Other names: c.877A>G, p.Lys293Glu (NM_001242857.3); c.820A>G, p.Lys274Glu (NM_001242858.3); c.868A>G, p.Lys290Glu (NM_001242859.3); c.874A>G, p.Lys292Glu (NM_001242860.3); c.766A>G, p.Lys256Glu (NM_001242861.3); c.817A>G, p.Lys273Glu (NM_001242862.3, NM_001375565.1); c.865A>G, p.Lys289Glu (NM_001375560.1); c.850A>G, p.Lys284Glu (NM_001375561.1); and 4 more; short protein forms K256E, K273E, K274E, K281E, K282E, K284E, K285E, K286E.
Identifiers: ClinVar variation 4291969 (VCV004291969.1).